The following is an entry in ClinVar:

NM_000059.4(BRCA2):c.7188G>T (p.Leu2396Phe)

Gene: BRCA2 (BRCA2 DNA repair associated; plus strand). Cytogenetic location: 13q13.1.
Variant type: single nucleotide variant.
Coding change: c.7188G>T on transcript NM_000059.4 (MANE Select); coding-DNA position 7188, G replaced by T.
Protein change: p.Leu2396Phe; replaces leucine 2396 with phenylalanine.
Molecular consequence: missense variant.
Genome position (GRCh38, 1-based): chr13:32,355,041, G>T. VCF-style: chr13-32355041-G-T. GRCh37 (hg19) VCF-style: chr13-32929178-G-T.
Other names: p.L2396F:TTG>TTT; short protein forms L2396F.
Identifiers: ClinVar variation 141729 (VCV000141729.42), dbSNP rs587780871, ClinGen allele CA024945.
Genomic context (GRCh38, chr13:32,355,041, plus strand): 5'-AGTTTCAGGACATCCATTTTATCAAGTTTCTGCTACAAGAAATGAAAAAATGAGACACTT[G>T]ATTACTACAGGCAGACCAACCAAAGTCTTTGTTCCACCTTTTAAAACTAAATCACATTTT-3'
Protein context (NP_000050.3, residues 2386-2406): SATRNEKMRH[Leu2396Phe]ITTGRPTKVF

ClinVar aggregate classification (germline): Benign. Review status: reviewed by expert panel (3 of 4 stars). 12 submissions from 12 submitters: Benign (1). 11 of the submissions do not count toward it. Last evaluated 2019-06-18.

Conditions:
Hereditary cancer-predisposing syndrome. Also called: Hereditary Cancer Syndrome; Neoplastic Syndromes, Hereditary; Tumor predisposition; Hereditary neoplastic syndrome. Identifiers: Orphanet 140162, MedGen C0027672, MeSH D009386, MONDO:0015356.
Hereditary breast ovarian cancer syndrome. Also called: Breast and ovarian cancer; BRCA1- and BRCA2-Associated Hereditary Breast and Ovarian Cancer; Hereditary breast and ovarian cancer syndrome; Hereditary breast and ovarian cancer; Hereditary breast and/or ovarian cancer syndrome; Hereditary breast and ovarian cancer syndrome (HBOC). Identifiers: Orphanet 145, MedGen C0677776, MeSH D061325, MONDO:0003582. Disease mechanism: loss of function.
Breast-ovarian cancer, familial, susceptibility to, 2 (BROVCA2). Also called: BRCA2 Hereditary Breast and Ovarian Cancer. Identifiers: Orphanet 145, MedGen C2675520, MONDO:0012933, OMIM 612555. Disease mechanism: loss of function.

Allele frequency attached by ClinVar (database versions not stated): TOPMed 0.00001.
gnomAD v4.1: 7 of 1,613,884 alleles (0.00043%); highest among the groups gnomAD compares: Admixed American, 0.0083%; no homozygotes.

Submissions (12):

Evidence-based Network for the Interpretation of Germline Mutant Alleles (ENIGMA)
Classification: Benign for Breast-ovarian cancer, familial, susceptibility to, 2. Last evaluated: 2019-06-18. Review status: reviewed by expert panel. Criteria: ENIGMA BRCA1/2 Classification Criteria (2017-06-29). Collection method: curation. Allele origin: germline.
Comment: IARC class based on posterior probability from multifactorial likelihood analysis, thresholds for class as per Plon et al. 2008 (PMID: 18951446). Class 1 based on posterior probability = 0.000184

Women's Health and Genetics/Laboratory Corporation of America, LabCorp
Classification: Likely benign. Last evaluated: 2026-04-27. Review status: criteria provided, single submitter. Criteria: LabCorp Variant Classification Summary - May 2015. Collection method: clinical testing. Allele origin: germline. Not counted in ClinVar's aggregate classification.
Comment: Variant summary: BRCA2 c.7188G>T (p.Leu2396Phe) results in a non-conservative amino acid change in the encoded protein sequence. Algorithms developed to predict the effect of missense changes on protein structure and function are either unavailable or do not agree on the potential impact of this missense change. The variant allele was found at a frequency of 1.6e-05 in 251290 control chromosomes. The available data on variant occurrences in the general population are insufficient to allow any conclusion about variant significance. c.7188G>T has been reported in individuals affected with breast cancer and acute lymphoblastic leukemia (Hwang 2018, Kim_2019, Zhang 2015). These reports do not provide unequivocal conclusions about association of the variant with Hereditary Breast And Ovarian Cancer Syndrome. Co-occurrence with a pathogenic variant has been internally reported (BRCA1 c.5497G>A, p.Val1833Met), providing supporting evidence for a benign role. To our knowledge, no experimental evidence demonstrating an impact on protein function has been reported. The following publications have been ascertained in the context of this evaluation (PMID: 17924331, 24323938, 28392550, 31161121, 21990134, 26580448). ClinVar contains an entry for this variant (Variation ID: 141729). Based on the evidence outlined above, the variant was classified as likely benign.

Dasa
Classification: Benign. Last evaluated: 2026-02-23. Review status: criteria provided, single submitter. Criteria: DASA Assertion Criteria. Collection method: clinical testing. Allele origin: germline. Not counted in ClinVar's aggregate classification.
Comment: NM_000059.4(BRCA2):c.7188G>T (p.Leu2396Phe) is a missense variant that results in the substitution of leucine with phenylalanine. Multiple computational predictions suggest no deleterious effect on the gene or gene product. Based on the available data, this variant is classified as benign.

Labcorp Genetics (formerly Invitae), Labcorp
Classification: Likely benign for Hereditary breast ovarian cancer syndrome. Last evaluated: 2026-01-08. Review status: criteria provided, single submitter. Criteria: Invitae Variant Classification Sherloc (09022015). Collection method: clinical testing. Allele origin: germline. Not counted in ClinVar's aggregate classification.

Quest Diagnostics Nichols Institute San Juan Capistrano
Classification: Likely benign. Last evaluated: 2025-07-16. Review status: criteria provided, single submitter. Criteria: Quest Diagnostics criteria. Collection method: clinical testing. Allele origin: unknown. Not counted in ClinVar's aggregate classification.

Mayo Clinic Laboratories, Mayo Clinic
Classification: Benign. Last evaluated: 2025-03-10. Review status: criteria provided, single submitter. Criteria: ACMG Guidelines, 2015. Collection method: clinical testing. Allele origin: germline. Observed: 1 variant allele. Not counted in ClinVar's aggregate classification.
Comment: BP1_strong, BP5_very_strong

All of Us Research Program, National Institutes of Health
Classification: Likely benign for Breast-ovarian cancer, familial, susceptibility to, 2. Last evaluated: 2023-12-01. Review status: criteria provided, single submitter. Criteria: ACMG Guidelines, 2015. Collection method: clinical testing. Allele origin: germline. Inheritance: Autosomal dominant inheritance. Observed: 6 variant alleles, 6 heterozygotes. Not counted in ClinVar's aggregate classification.
Comment: This study involves interpretation of variants in research participants for the purpose of population health screening. Participant phenotype was not available at the time of variant classification. Additional details can be found in publication PMID: 35346344, PMCID: PMC8962531

Genetic Services Laboratory, University of Chicago
Classification: Likely benign. Last evaluated: 2021-05-26. Review status: criteria provided, single submitter. Criteria: ACMG Guidelines, 2015. Collection method: clinical testing. Allele origin: germline. Affected: no. Not counted in ClinVar's aggregate classification.

GeneDx
Classification: Likely benign. Last evaluated: 2020-01-16. Review status: criteria provided, single submitter. Criteria: GeneDx Variant Classification Process June 2021. Collection method: clinical testing. Allele origin: germline. Affected: yes. Not counted in ClinVar's aggregate classification.
Comment: This variant is associated with the following publications: (PMID: 17924331, 21990134, 24323938)

ARUP Laboratories, Molecular Genetics and Genomics, ARUP Laboratories
Classification: Uncertain significance. Last evaluated: 2019-04-25. Review status: criteria provided, single submitter. Criteria: ARUP Molecular Germline Variant Investigation Process. Collection method: clinical testing. Allele origin: germline. Not counted in ClinVar's aggregate classification.
Comment: The BRCA2 c.7188G>T; p.Leu2396Phe variant (rs587780871), also known as 7416G>T, is reported in the literature as not pathogenic based on likelihood ratios considering family history and co-occurrence with a known pathogenic variant (Easton 2007, Lindor 2012). This variant is reported in ClinVar (Variation ID: 141729), but is only observed on five alleles in the Genome Aggregation Database, indicating it is not a common polymorphism. The leucine at codon 2396 is weakly conserved, and computational analyses (SIFT, PolyPhen-2) predict that this variant is tolerated. However, given the lack of clinical and functional data, the significance of the p.Leu2396Phe variant is uncertain at this time. References: Easton DF et al. A systematic genetic assessment of 1,433 sequence variants of unknown clinical significance in the BRCA1 and BRCA2 breast cancer-predisposition genes. Am J Hum Genet. 2007 Nov;81(5):873-83. Lindor NM et al. A review of a multifactorial probability-based model for classification of BRCA1 and BRCA2 variants of uncertain significance (VUS). Hum Mutat. 2012 Jan;33(1):8-21.

Color Diagnostics, LLC DBA Color Health
Classification: Likely benign for Hereditary cancer-predisposing syndrome. Last evaluated: 2018-05-11. Review status: criteria provided, single submitter. Criteria: ACMG Guidelines, 2015. Collection method: clinical testing. Allele origin: germline. Not counted in ClinVar's aggregate classification.

Ambry Genetics
Classification: Benign for Hereditary cancer-predisposing syndrome. Last evaluated: 2014-11-19. Review status: criteria provided, single submitter. Criteria: Ambry Variant Classification Scheme 2023. Collection method: clinical testing. Allele origin: germline. Not counted in ClinVar's aggregate classification.

Literature cited by the submitters: PubMed 31131967 (cited by Evidence-based Network for the Interpretation of Germline Mutant Alleles (ENIGMA) and Quest Diagnostics Nichols Institute San Juan Capistrano); PubMed 21990134 (cited by Women's Health and Genetics/Laboratory Corporation of America, LabCorp and Quest Diagnostics Nichols Institute San Juan Capistrano); PubMed 17924331 (cited by Women's Health and Genetics/Laboratory Corporation of America, LabCorp and Quest Diagnostics Nichols Institute San Juan Capistrano); PubMed 24323938 (cited by Women's Health and Genetics/Laboratory Corporation of America, LabCorp and Quest Diagnostics Nichols Institute San Juan Capistrano); PubMed 26580448 (cited by Women's Health and Genetics/Laboratory Corporation of America, LabCorp and Quest Diagnostics Nichols Institute San Juan Capistrano); PubMed 28392550 (cited by Women's Health and Genetics/Laboratory Corporation of America, LabCorp); PubMed 31161121 (cited by Women's Health and Genetics/Laboratory Corporation of America, LabCorp and Quest Diagnostics Nichols Institute San Juan Capistrano).